The following is an entry in ClinVar:

NM_001378609.3(OTOGL):c.2761G>A (p.Glu921Lys)

Gene: OTOGL (otogelin like; plus strand). Cytogenetic location: 12q21.31.
Variant type: single nucleotide variant.
Coding change: c.2761G>A on transcript NM_001378609.3 (MANE Select); coding-DNA position 2761, G replaced by A.
Protein change: p.Glu921Lys; replaces glutamic acid 921 with lysine.
Molecular consequence: missense variant.
Genome position (GRCh38, 1-based): chr12:80,278,247, G>A. VCF-style: chr12-80278247-G-A. GRCh37 (hg19) VCF-style: chr12-80672027-G-A.
Other names: c.2761G>A, p.Glu921Lys (NM_001368062.3, NM_001378610.3, NM_173591.7); short protein forms E921K.
Identifiers: ClinVar variation 2446188 (VCV002446188.6), dbSNP rs913038305, ClinGen allele CA240216894.

ClinVar aggregate classification (germline): Uncertain significance. Review status: criteria provided, multiple submitters, no conflicts (2 of 4 stars). 4 submissions from 4 submitters: Uncertain significance (4). Last evaluated 2025-11-16.

Conditions:
OTOGL-related disorder. Also called: OTOGL-related condition.
Inborn genetic diseases. Identifiers: MedGen C0950123, MeSH D030342.

Allele frequency attached by ClinVar (database versions not stated): gnomAD exomes 0.00001; gnomAD 0.00007; TOPMed 0.00011.
gnomAD v4.1: 31 of 1,545,146 alleles (0.002%); highest among the groups gnomAD compares: African/African-American, 0.04%; no homozygotes.

Submissions (4):

PreventionGenetics, part of Exact Sciences
Classification: Uncertain significance for OTOGL-related condition. Last evaluated: 2025-11-16. Review status: criteria provided, single submitter. Criteria: ACMG Guidelines, 2015. Collection method: clinical testing. Allele origin: germline.
Comment: The OTOGL c.2734G>A variant is predicted to result in the amino acid substitution p.Glu912Lys. To our knowledge, this variant has not been reported in the literature. This variant is reported in 0.026% of alleles in individuals of African descent in gnomAD. At this time, the clinical significance of this variant is uncertain due to the absence of conclusive functional and genetic evidence.

GeneDx
Classification: Uncertain significance. Last evaluated: 2024-05-17. Review status: criteria provided, single submitter. Criteria: GeneDx Variant Classification Process June 2021. Collection method: clinical testing. Allele origin: germline.
Comment: In silico analysis supports that this missense variant has a deleterious effect on protein structure/function; Has not been previously published as pathogenic or benign to our knowledge

Ambry Genetics
Classification: Uncertain significance for Inborn genetic diseases. Last evaluated: 2023-06-06. Review status: criteria provided, single submitter. Criteria: Ambry Variant Classification Scheme 2023. Collection method: clinical testing. Allele origin: germline.

Blueprint Genetics
Classification: Uncertain significance. Last evaluated: 2021-03-15. Review status: criteria provided, single submitter. Criteria: ACMG Guidelines, 2015. Collection method: clinical testing. Allele origin: germline.